The following is an entry in ClinVar:

ClinVar aggregate classification (germline): Pathogenic (1 of 4 stars; one submission).

Conditions:
Developmental and epileptic encephalopathy, 12 (DEE12). Identifiers: MedGen C3150988, MONDO:0013389, OMIM 613722.

Allele frequency attached by ClinVar (database versions not stated): TOPMed below 0.00001; gnomAD 0.00001.

Submission:

Labcorp Genetics (formerly Invitae), Labcorp
Classification: Pathogenic for Developmental and epileptic encephalopathy, 12. Last evaluated: 2023-05-30. Review status: criteria provided, single submitter. Criteria: Invitae Variant Classification Sherloc (09022015). Collection method: clinical testing. Allele origin: germline.
Comment: This sequence change creates a premature translational stop signal (p.Cys445Alafs*22) in the PNKP gene. It is expected to result in an absent or disrupted protein product. Loss-of-function variants in PNKP are known to be pathogenic (PMID: 20118933, 25728773). This variant is not present in population databases (gnomAD no frequency). This variant has not been reported in the literature in individuals affected with PNKP-related conditions. ClinVar contains an entry for this variant (Variation ID: 2083812). For these reasons, this variant has been classified as Pathogenic.

Literature cited by the submitters: PubMed 20118933; PubMed 25728773.

NM_007254.4(PNKP):c.1333del (p.Cys445fs)

Gene: PNKP (polynucleotide kinase 3'-phosphatase; minus strand). Cytogenetic location: 19q13.33.
Variant type: Deletion.
Coding change: c.1333del on transcript NM_007254.4 (MANE Select); coding-DNA position 1333, one base deleted (T; older notation c.1333delT).
Protein change: p.Cys445fs; shifts the reading frame from cysteine 445.
Molecular consequence: frameshift variant.
Genome position (GRCh38, 1-based): chr19:49,861,661, A deleted on the plus strand (T on the coding strand, the reverse complement: PNKP is on the minus strand). VCF-style (leftmost placement, unchanged base first): chr19-49861660-CA-C. GRCh37 (hg19) VCF-style: chr19-50364917-CA-C.
Other names: short protein forms C445fs.
Identifiers: ClinVar variation 2083812 (VCV002083812.4), dbSNP rs1409975594, ClinGen allele CA883145725.